The following is an entry in ClinVar:

ClinVar aggregate classification (germline): Uncertain significance. Review status: criteria provided, single submitter (1 of 4 stars). 2 submissions from 2 submitters: Uncertain significance (1). 1 of the submissions does not count toward it. Last evaluated 2025-05-13.

Conditions:
Pili torti-developmental delay-neurological abnormalities syndrome. Identifiers: Orphanet 2891, MedGen C1849811, MONDO:0009871, OMIM 261990.

Allele frequency attached by ClinVar (database versions not stated): gnomAD exomes 0.00004 and 0.00005; ExAC 0.00005; gnomAD 0.00005; TOPMed 0.00006; ESP Exome Variant Server 0.00016.

Submissions (2):

Greenwood Genetic Center Diagnostic Laboratories, Greenwood Genetic Center
Classification: Uncertain significance. Last evaluated: 2025-05-13. Review status: criteria provided, single submitter. Criteria: ACMG Guidelines, 2015. Collection method: clinical testing. Allele origin: germline. Affected: yes.
Comment: Gene of Uncertain Significance

OMIM
Classification: Pathogenic for ABNORMAL HAIR, JOINT LAXITY, AND DEVELOPMENTAL DELAY (1 patient). Last evaluated: 2019-06-25. Review status: flagged submission. Collection method: literature only. Allele origin: germline. Not counted in ClinVar's aggregate classification.
ClinVar note: Notes: Flagging candidate with reason of insufficient supporting evidence. This gene has been classified as having a limited gene-disease relationship by a ClinGen Expert Panel.
ClinVar note: Reason: P/LP classification for a variant in a gene with insufficient evidence for a gene-disease relationship

Literature cited by the submitters: PubMed 31125343 (cited by OMIM).

NM_001098672.2(HEPHL1):c.3176T>C (p.Met1059Thr)

Gene: HEPHL1 (hephaestin like 1; plus strand). Cytogenetic location: 11q21.
Variant type: single nucleotide variant.
Coding change: c.3176T>C on transcript NM_001098672.2 (MANE Select); coding-DNA position 3176, T replaced by C.
Protein change: p.Met1059Thr; replaces methionine 1059 with threonine.
Molecular consequence: missense variant.
Genome position (GRCh38, 1-based): chr11:94,111,033, T>C. VCF-style: chr11-94111033-T-C. GRCh37 (hg19) VCF-style: chr11-93844199-T-C.
Other names: short protein forms M1059T.
Identifiers: ClinVar variation 635196 (VCV000635196.2), dbSNP rs199856193, ClinGen allele CA6233753.
Genomic context (GRCh38, chr11:94,111,033, plus strand): 5'-CAGATCACCCAGGGACATGGCTGCTACACTGTCATGTGTCTGACCACATCCATGCTGGCA[T>C]GGAGACAACCTACACGGTCCTTCGTAACATAGGTACGGTTGTCTGTCAGTGATGCCAGAT-3'
Protein context (NP_001092142.1, residues 1049-1069): CHVSDHIHAG[Met1059Thr]ETTYTVLRNI